The following is an entry in ClinVar:

NM_000059.4(BRCA2):c.904_905del (p.Thr302fs)

Gene: BRCA2 (BRCA2 DNA repair associated; plus strand). Cytogenetic location: 13q13.1.
Variant type: Deletion.
Coding change: c.904_905del on transcript NM_000059.4 (MANE Select); coding-DNA positions 904 to 905, 2 bases deleted (AC; older notation c.904_905delAC).
Protein change: p.Thr302fs; shifts the reading frame from threonine 302.
Molecular consequence: frameshift variant. On other transcripts: non-coding transcript variant (1), intron variant (1).
Genome position (GRCh38, 1-based): chr13:32,332,382-32,332,383, AC deleted. VCF-style (leftmost placement, unchanged base first): chr13-32332381-TAC-T. GRCh37 (hg19) VCF-style: chr13-32906518-TAC-T.
Other names: c.904_905del, p.Thr302fs (NM_001406719.1, NM_001406720.1, NM_001406721.1 and 1 more transcripts); c.424+1352_424+1353del (NM_001406722.1); short protein forms T302fs.
Identifiers: ClinVar variation 4733267 (VCV004733267.2).
Genomic context (GRCh38, chr13:32,332,381, plus strand): 5'-CCACATTGGAAAGTCAATGCCAAATGTCCTAGAAGATGAAGTATATGAAACAGTTGTAGA[TAC>T]CTCTGAAGAAGATAGTTTTTCATTATGTTTTTCTAAATGTAGAACAAAAAATCTACAAAA-3'

ClinVar aggregate classification (germline): Pathogenic. Review status: criteria provided, multiple submitters, no conflicts (2 of 4 stars). 2 submissions from 2 submitters: Pathogenic (2). Last evaluated 2026-01-22.

Conditions:
Hereditary breast ovarian cancer syndrome. Also called: Hereditary breast and ovarian cancer syndrome; Hereditary breast and ovarian cancer; Hereditary breast and ovarian cancer syndrome (HBOC); Breast and ovarian cancer; Hereditary breast and/or ovarian cancer syndrome; BRCA1- and BRCA2-Associated Hereditary Breast and Ovarian Cancer. Identifiers: Orphanet 145, MedGen C0677776, MeSH D061325, MONDO:0003582. Disease mechanism: loss of function.
Hereditary cancer-predisposing syndrome. Also called: Neoplastic Syndromes, Hereditary; Tumor predisposition; Hereditary Cancer Syndrome; Hereditary neoplastic syndrome. Identifiers: Orphanet 140162, MedGen C0027672, MeSH D009386, MONDO:0015356.

Submissions (2):

Ambry Genetics
Classification: Pathogenic for Hereditary cancer-predisposing syndrome. Last evaluated: 2026-01-22. Review status: criteria provided, single submitter. Criteria: Ambry Variant Classification Scheme 2023. Collection method: clinical testing. Allele origin: germline.
Comment: The c.904_905delAC pathogenic mutation, located in coding exon 9 of the BRCA2 gene, results from a deletion of two nucleotides at nucleotide positions 904 to 905, causing a translational frameshift with a predicted alternate stop codon (p.T302Lfs*2). This variant is considered to be rare based on population cohorts in the Genome Aggregation Database (gnomAD). This alteration is expected to result in loss of function by premature protein truncation or nonsense-mediated mRNA decay. As such, this alteration is interpreted as a disease-causing mutation.

Labcorp Genetics (formerly Invitae), Labcorp
Classification: Pathogenic for Hereditary breast ovarian cancer syndrome. Last evaluated: 2026-01-11. Review status: criteria provided, single submitter. Criteria: Invitae Variant Classification Sherloc (09022015). Collection method: clinical testing. Allele origin: germline.
Comment: This sequence change creates a premature translational stop signal (p.Thr302Leufs*2) in the BRCA2 gene. It is expected to result in an absent or disrupted protein product. Loss-of-function variants in BRCA2 are known to be pathogenic (PMID: 20104584). This variant is not present in population databases (gnomAD no frequency). This variant has not been reported in the literature in individuals affected with BRCA2-related conditions. For these reasons, this variant has been classified as Pathogenic.

Literature cited by the submitters: PubMed 20104584 (cited by Labcorp Genetics (formerly Invitae), Labcorp).